The following is an entry in ClinVar:

NM_000257.4(MYH7):c.4215G>A (p.Glu1405=)

Gene: MYH7 (myosin heavy chain 7; minus strand). Cytogenetic location: 14q11.2.
Variant type: single nucleotide variant.
Coding change: c.4215G>A on transcript NM_000257.4 (MANE Select); coding-DNA position 4215, G replaced by A.
Protein change: p.Glu1405=; no amino-acid change (glutamic acid 1405 retained).
Molecular consequence: synonymous variant.
Genome position (GRCh38, 1-based): chr14:23,417,641, C>T on the plus strand (G>A on the coding strand, the complement: MYH7 is on the minus strand). VCF-style: chr14-23417641-C-T. GRCh37 (hg19) VCF-style: chr14-23886850-C-T.
Identifiers: ClinVar variation 188633 (VCV000188633.12), dbSNP rs748551470, ClinGen allele CA014667.

ClinVar aggregate classification (germline): Likely benign. Review status: criteria provided, multiple submitters, no conflicts (2 of 4 stars). 4 submissions from 4 submitters: Likely benign (4). Last evaluated 2025-11-11.

Conditions:
Cardiovascular phenotype. Identifiers: MedGen CN230736.
Cardiomyopathy (CMYO). Also called: Cardiomyopathies. Identifiers: Orphanet 167848, MedGen C0878544, MONDO:0004994, HP:0001638. Inheritance: Various modes of inheritance.
Hypertrophic cardiomyopathy. Also called: HYPERTROPHIC MYOCARDIOPATHY. Identifiers: Orphanet 217569, MedGen C0007194, MeSH D002312, MONDO:0005045, HP:0001639.

Allele frequency attached by ClinVar (database versions not stated): ExAC 0.00001; gnomAD exomes 0.00001; gnomAD 0.00002 and 0.00003; TOPMed 0.00004.
gnomAD v4.1: 15 of 1,612,968 alleles (0.00093%); highest among the groups gnomAD compares: African/African-American, 0.019%; no homozygotes.

Submissions (4):

Labcorp Genetics (formerly Invitae), Labcorp
Classification: Likely benign for Hypertrophic cardiomyopathy. Last evaluated: 2025-11-11. Review status: criteria provided, single submitter. Criteria: Invitae Variant Classification Sherloc (09022015). Collection method: clinical testing. Allele origin: germline.

All of Us Research Program, National Institutes of Health
Classification: Likely benign for Cardiomyopathy. Last evaluated: 2023-08-28. Review status: criteria provided, single submitter. Criteria: ACMG Guidelines, 2015. Collection method: clinical testing. Allele origin: germline. Inheritance: Autosomal dominant inheritance. Observed: 4 variant alleles, 4 heterozygotes.
Comment: This study involves interpretation of variants in research participants for the purpose of population health screening. Participant phenotype was not available at the time of variant classification. Additional details can be found in publication PMID: 35346344, PMCID: PMC8962531

Ambry Genetics
Classification: Likely benign for Cardiovascular phenotype. Last evaluated: 2021-07-19. Review status: criteria provided, single submitter. Criteria: Ambry Variant Classification Scheme 2023. Collection method: clinical testing. Allele origin: germline.

Color Diagnostics, LLC DBA Color Health
Classification: Likely benign for Cardiomyopathy. Last evaluated: 2019-07-27. Review status: criteria provided, single submitter. Criteria: ACMG Guidelines, 2015. Collection method: clinical testing. Allele origin: germline.